The following is an entry in ClinVar:

ClinVar aggregate classification (germline): Likely benign (1 of 4 stars; one submission).

Allele frequency attached by ClinVar (database versions not stated): gnomAD exomes below 0.00001; gnomAD 0.00001; TOPMed 0.00001.
gnomAD v4.1: 9 of 1,609,126 alleles (0.00056%); highest among the groups gnomAD compares: Middle Eastern, 0.033%; no homozygotes.

Submission:

CeGaT Center for Human Genetics Tuebingen
Classification: Likely benign. Last evaluated: 2022-06-01. Review status: criteria provided, single submitter. Criteria: CeGaT Center For Human Genetics Tuebingen Variant Classification Criteria Version 2. Collection method: clinical testing. Allele origin: germline. Affected: yes. Observed: 1 variant allele.
Comment: APC2: BP4, BP7

NM_005883.3(APC2):c.3691C>T (p.Leu1231=)

Gene: APC2 (APC regulator of Wnt signaling pathway 2; plus strand). Cytogenetic location: 19p13.3.
Variant type: single nucleotide variant.
Coding change: c.3691C>T on transcript NM_005883.3 (MANE Select); coding-DNA position 3691, C replaced by T.
Protein change: p.Leu1231=; no amino-acid change (leucine 1231 retained).
Molecular consequence: synonymous variant.
Genome position (GRCh38, 1-based): chr19:1,466,992, C>T. VCF-style: chr19-1466992-C-T. GRCh37 (hg19) VCF-style: chr19-1466991-C-T.
Other names: c.3688C>T, p.Leu1230= (NM_001351273.1).
Identifiers: ClinVar variation 2648927 (VCV002648927.24), dbSNP rs1003452213, ClinGen allele CA304077454.
Genomic context (GRCh38, chr19:1,466,992, plus strand): 5'-AGCAAGACGCCACCGCTGGCGCCCGCGCCACAGGGTCCCCCCGAGGCCACCCAGTTCAGC[C>T]TGCAGTGGGAGAGCTACGTGAAGCGCTTCCTGGACATCGCCGACTGCCGGGAGCGCTGCC-3'
Protein context (NP_005874.1, residues 1221-1241): QGPPEATQFS[Leu1231=]QWESYVKRFL